The following is an entry in ClinVar:

ClinVar aggregate classification (germline): Uncertain significance (1 of 4 stars; one submission).

Conditions:
Hereditary cancer-predisposing syndrome. Also called: Tumor predisposition; Hereditary neoplastic syndrome; Neoplastic Syndromes, Hereditary; Hereditary Cancer Syndrome. Identifiers: Orphanet 140162, MedGen C0027672, MeSH D009386, MONDO:0015356.

Submission:

Ambry Genetics
Classification: Uncertain significance for Hereditary cancer-predisposing syndrome. Last evaluated: 2025-06-06. Review status: criteria provided, single submitter. Criteria: Ambry Variant Classification Scheme 2023. Collection method: clinical testing. Allele origin: germline.
Comment: The c.735-8_735-2delTGTTAAA intronic variant is located 2 nucleotides before coding exon 6 in the DICER1 gene. This variant results from a deletion of 7 nucleotides at positions c.735-8 to c.735-2. This variant does not change the sequence of the canonical acceptor at this splice site. This variant was reported in individual(s) with features consistent with DICER1-related tumor predisposition syndrome (Ambry internal data). This nucleotide region is conserved in available vertebrate species. In silico splice site analysis predicts that this alteration will not have any significant effect on splicing. Based on the available evidence, the clinical significance of this variant remains unclear.

NM_177438.3(DICER1):c.735-8_735-2del

Gene: DICER1 (dicer 1, ribonuclease III; minus strand). Cytogenetic location: 14q32.13.
Variant type: Deletion.
Coding change: c.735-8_735-2del on transcript NM_177438.3 (MANE Select); 8 bases into the intron before coding-DNA position 735 through the canonical splice acceptor site of the intron before coding-DNA position 735, 7 bases deleted (TGTTAAA; older notation c.735-8_735-2delTGTTAAA).
Molecular consequence: splice acceptor variant.
Genome position (GRCh38, 1-based): chr14:95,126,750-95,126,756, TTTAACA deleted on the plus strand (TGTTAAA on the coding strand, the reverse complement: DICER1 is on the minus strand); deleting any 7 consecutive bases within chr14:95,126,750-95,126,757 gives the same sequence; the c. name uses the placement nearest the transcript's 3' end. VCF-style (leftmost placement, unchanged base first): chr14-95126749-CTTTAACA-C. GRCh37 (hg19) VCF-style: chr14-95593086-CTTTAACA-C.
Other names: c.735-8_735-2del (NM_001291628.2, NM_030621.4, NM_001395677.1 and 14 more transcripts); c.330-8_330-2del (NM_001395690.1, NM_001395687.1, NM_001395689.1 and 3 more transcripts); c.453-8_453-2del (NM_001395686.1); c.168-8_168-2del (NM_001395691.1); c.-834-8_-834-2del (NM_001395697.1).
Identifiers: ClinVar variation 4011659 (VCV004011659.1).
Genomic context (GRCh38, chr14:95,126,749, plus strand): 5'-CCACTTCTGTCAGTAAATGGTCCACAATCCACCACAATCTCACATGGCTGAGAAGTATAC[CTTTAACA>C]TAAGAAACAAAAGGTATCAATACTGCAGTAGTGAGAATGCAATTTAAAAAAAGTTTTTCA-3'